The following is an entry in ClinVar:

NM_001329943.3(KIAA0586):c.2629A>C (p.Ile877Leu)

Gene: KIAA0586 (KIAA0586; plus strand). Cytogenetic location: 14q23.1.
Variant type: single nucleotide variant.
Coding change: c.2629A>C on transcript NM_001329943.3 (MANE Select); coding-DNA position 2629, A replaced by C.
Protein change: p.Ile877Leu; replaces isoleucine 877 with leucine.
Molecular consequence: missense variant.
Genome position (GRCh38, 1-based): chr14:58,472,274, A>C. VCF-style: chr14-58472274-A-C. GRCh37 (hg19) VCF-style: chr14-58938992-A-C.
Other names: c.2788A>C, p.Ile930Leu (NM_001244189.2); c.2584A>C, p.Ile862Leu (NM_001244190.2); c.2374A>C, p.Ile792Leu (NM_001244191.2, NM_001329945.2, NM_001364700.1 and 1 more transcripts); c.2497A>C, p.Ile833Leu (NM_001244192.2); c.2209A>C, p.Ile737Leu (NM_001244193.2); c.2629A>C, p.Ile877Leu (NM_001329944.2, NM_001329946.2, NM_001329947.2); c.2401A>C, p.Ile801Leu (NM_014749.5); short protein forms I877L, I792L, I801L, I833L, I930L, I737L, I862L.
Identifiers: ClinVar variation 1379100 (VCV001379100.6), dbSNP rs1338718674, ClinGen allele CA389877278.
Genomic context (GRCh38, chr14:58,472,274, plus strand): 5'-AAGGTAGATGAAGAAGAGGTGAAGTTTCCAGGAACTAACTTTGATGAAATAATCGATGTC[A>C]TACAGGTAACAAAGCTTAGAAACCATGAGAAATTATTTTTCTACCGGTATTTTTCCAGGT-3'
Protein context (NP_001316872.1, residues 867-887): GTNFDEIIDV[Ile877Leu]QEEEKCDEIP

ClinVar aggregate classification (germline): Uncertain significance (1 of 4 stars; one submission).

Conditions:
Short-rib thoracic dysplasia 14 with polydactyly (SRTD14). Identifiers: Orphanet 397715, MedGen C4225286, MONDO:0014688, OMIM 616546.
Joubert syndrome 23 (JBTS23). Identifiers: Orphanet 475, MedGen C4084822, MONDO:0014664, OMIM 616490.

Allele frequency attached by ClinVar (database versions not stated): gnomAD exomes 0.00001; gnomAD 0.00001; TOPMed 0.00001.
gnomAD v4.1: 17 of 1,538,278 alleles (0.0011%); highest among the groups gnomAD compares: Non-Finnish European, 0.0014%; no homozygotes.

Submission:

Labcorp Genetics (formerly Invitae), Labcorp
Classification: Uncertain significance for Joubert syndrome 23; Short-rib thoracic dysplasia 14 with polydactyly. Last evaluated: 2025-03-27. Review status: criteria provided, single submitter. Criteria: Invitae Variant Classification Sherloc (09022015). Collection method: clinical testing. Allele origin: germline.
Comment: This sequence change replaces isoleucine, which is neutral and non-polar, with leucine, which is neutral and non-polar, at codon 930 of the KIAA0586 protein (p.Ile930Leu). This variant is not present in population databases (gnomAD no frequency). This variant has not been reported in the literature in individuals affected with KIAA0586-related conditions. ClinVar contains an entry for this variant (Variation ID: 1379100). Invitae Evidence Modeling of protein sequence and biophysical properties (such as structural, functional, and spatial information, amino acid conservation, physicochemical variation, residue mobility, and thermodynamic stability) indicates that this missense variant is not expected to disrupt KIAA0586 protein function with a negative predictive value of 80%. In summary, the available evidence is currently insufficient to determine the role of this variant in disease. Therefore, it has been classified as a Variant of Uncertain Significance.